The following is an entry in ClinVar:

ClinVar aggregate classification (germline): Uncertain significance (1 of 4 stars; one submission).

Conditions:
Hereditary cancer-predisposing syndrome. Also called: Hereditary Cancer Syndrome; Hereditary neoplastic syndrome; Neoplastic Syndromes, Hereditary; Tumor predisposition. Identifiers: Orphanet 140162, MedGen C0027672, MeSH D009386, MONDO:0015356.

Submission:

Ambry Genetics
Classification: Uncertain significance for Hereditary cancer-predisposing syndrome. Last evaluated: 2025-03-28. Review status: criteria provided, single submitter. Criteria: Ambry Variant Classification Scheme 2023. Collection method: clinical testing. Allele origin: germline.
Comment: The p.P1159A variant (also known as c.3475C>G), located in coding exon 15 of the APC gene, results from a C to G substitution at nucleotide position 3475. The proline at codon 1159 is replaced by alanine, an amino acid with highly similar properties. This amino acid position is conserved. In addition, in silico predictors for this gene do not accurately predict pathogenicity. Based on the available evidence, the clinical significance of this variant remains unclear.

NM_000038.6(APC):c.3475C>G (p.Pro1159Ala)

Gene: APC (APC regulator of Wnt signaling pathway; plus strand). Cytogenetic location: 5q22.2.
Variant type: single nucleotide variant.
Coding change: c.3475C>G on transcript NM_000038.6 (MANE Select); coding-DNA position 3475, C replaced by G.
Protein change: p.Pro1159Ala; replaces proline 1159 with alanine.
Molecular consequence: missense variant. On other transcripts: non-coding transcript variant (2).
Genome position (GRCh38, 1-based): chr5:112,839,069, C>G. VCF-style: chr5-112839069-C-G. GRCh37 (hg19) VCF-style: chr5-112174766-C-G.
Other names: c.3475C>G, p.Pro1159Ala (NM_001127510.3, NM_001354895.2, NM_001407450.1); c.3421C>G, p.Pro1141Ala (NM_001127511.3); c.3529C>G, p.Pro1177Ala (NM_001354896.2, NM_001407447.1, NM_001407448.1 and 1 more transcripts); c.3505C>G, p.Pro1169Ala (NM_001354897.2); c.3400C>G, p.Pro1134Ala (NM_001354898.2); c.3391C>G, p.Pro1131Ala (NM_001354899.2); c.3352C>G, p.Pro1118Ala (NM_001354900.2); c.3298C>G, p.Pro1100Ala (NM_001354901.2, NM_001407453.1); and 11 more; short protein forms P1030A, P1068A, P1131A, P1141A, P1149A, P1152A, P999A, P1033A.
Identifiers: ClinVar variation 3928251 (VCV003928251.1).